The following is an entry in ClinVar:

NM_153240.5(NPHP3):c.3532T>C (p.Tyr1178His)

Genes: NPHP3 (nephrocystin 3; minus strand), NPHP3-ACAD11 (NPHP3-ACAD11 readthrough (NMD candidate); minus strand). Cytogenetic location: 3q22.1.
Variant type: single nucleotide variant.
Coding change: c.3532T>C on transcript NM_153240.5 (MANE Select); coding-DNA position 3532, T replaced by C.
Protein change: p.Tyr1178His; replaces tyrosine 1178 with histidine.
Molecular consequence: missense variant. On other transcripts: non-coding transcript variant (1).
Genome position (GRCh38, 1-based): chr3:132,684,592, A>G on the plus strand (T>C on the coding strand, the complement: NPHP3 is on the minus strand). VCF-style: chr3-132684592-A-G. GRCh37 (hg19) VCF-style: chr3-132403436-A-G.
Other names: c.3532T>C (NM_153240.4); short protein forms Y1178H.
Identifiers: ClinVar variation 1394472 (VCV001394472.6), dbSNP rs113637009, ClinGen allele CA2621729.

ClinVar aggregate classification (germline): Uncertain significance. Review status: criteria provided, multiple submitters, no conflicts (2 of 4 stars). 2 submissions from 2 submitters: Uncertain significance (2). Last evaluated 2025-06-07.

Conditions:
Inborn genetic diseases. Identifiers: MedGen C0950123, MeSH D030342.
Nephronophthisis. Also called: Juvenile Nephronophthisis. Identifiers: Orphanet 655, MedGen C0687120, MONDO:0019005, HP:0000090.

Allele frequency attached by ClinVar (database versions not stated): gnomAD 0.00001 and 0.00002; gnomAD exomes 0.00001 and below 0.00001; TOPMed 0.00001; ESP Exome Variant Server 0.00008; ExAC 0.00001.
gnomAD v4.1: 11 of 1,614,062 alleles (0.00068%); highest among the groups gnomAD compares: African/African-American, 0.0067%; no homozygotes.

Submissions (2):

Ambry Genetics
Classification: Uncertain significance for Inborn genetic diseases. Last evaluated: 2025-06-07. Review status: criteria provided, single submitter. Criteria: Ambry Variant Classification Scheme 2023. Collection method: clinical testing. Allele origin: germline.

Labcorp Genetics (formerly Invitae), Labcorp
Classification: Uncertain significance for Nephronophthisis. Last evaluated: 2022-04-08. Review status: criteria provided, single submitter. Criteria: Invitae Variant Classification Sherloc (09022015). Collection method: clinical testing. Allele origin: germline.
Comment: This variant has not been reported in the literature in individuals affected with NPHP3-related conditions. In summary, the available evidence is currently insufficient to determine the role of this variant in disease. Therefore, it has been classified as a Variant of Uncertain Significance. Algorithms developed to predict the effect of missense changes on protein structure and function are either unavailable or do not agree on the potential impact of this missense change (SIFT: "Deleterious"; PolyPhen-2: "Probably Damaging"; Align-GVGD: "Class C0"). This variant is present in population databases (rs113637009, gnomAD 0.003%). This sequence change replaces tyrosine, which is neutral and polar, with histidine, which is basic and polar, at codon 1178 of the NPHP3 protein (p.Tyr1178His).